The following is an entry in ClinVar:

NM_001323289.2(CDKL5):c.2504del (p.Pro835fs)

Gene: CDKL5 (cyclin dependent kinase like 5; plus strand). Cytogenetic location: Xp22.13.
Variant type: Deletion.
Coding change: c.2504del on transcript NM_001323289.2 (MANE Select); coding-DNA position 2504, one base deleted (C; older notation c.2504delC).
Protein change: p.Pro835fs; shifts the reading frame from proline 835.
Molecular consequence: frameshift variant.
Genome position (GRCh38, 1-based): chrX:18,628,378, C deleted; the last of 2 consecutive C bases (chrX:18,628,377-18,628,378); deleting either gives the same sequence. VCF-style (leftmost placement, unchanged base first): chrX-18628376-GC-G. GRCh37 (hg19) VCF-style: chrX-18646496-GC-G.
Other names: NM_001323289.2(CDKL5):c.2504del; p.Pro835fs; c.2504del, p.Pro835fs (NM_001037343.2, NM_003159.3); c.2504delC (NM_003159.2); short protein forms P835fs.
Identifiers: ClinVar variation 143805 (VCV000143805.4), dbSNP rs267608660, ClinGen allele CA170479.
Genomic context (GRCh38, chrX:18,628,376, plus strand): 5'-AGCCTTATGGTCGCTCTAACTTGAATCCTGTGTGCATTCTCATCCTTTCTTTCAGAGCCA[GC>G]CATTAAAATCACTGCGCAAGTTGTTACATCTCTCTTCGGCCTCAAATCACCCGGCTTCCT-3'

ClinVar aggregate classification (germline): Pathogenic. Review status: criteria provided, single submitter (1 of 4 stars). 2 submissions from 2 submitters: Pathogenic (1). 1 of the submissions does not count toward it. Last evaluated 2024-08-23.

Conditions:
CDKL5 disorder. Identifiers: MedGen CN296942, MONDO:0100039.
Developmental and epileptic encephalopathy, 2 (DEE2). Also called: INFANTILE SPASM SYNDROME, X-LINKED 2; CDKL5 deficiency disorder. Identifiers: Orphanet 1934, Orphanet 3451, Orphanet 505652, MedGen C4750718, MONDO:0010396, OMIM 300672.

Submissions (2):

Centre for Population Genomics, CPG
Classification: Pathogenic for CDKL5 disorder. Last evaluated: 2024-08-23. Review status: criteria provided, single submitter. Criteria: McKnight et al. (Hum Mutat. 2022). Collection method: curation. Allele origin: germline. Inheritance: X-linked inheritance.
Comment: This variant has been collected from RettBASE and curated to current modified ACMG/AMP criteria. Based on the classification scheme defined by the ClinGen Rett/Angelman-like Expert Panel for Rett/AS-like Disorders Specifications to the ACMG/AMP Variant Interpretation Guidelines VCEP 3.0, this variant is classified as pathogenic. At least the following criteria are met: Predicted to result in loss of function, and LOF is a known mechanism of disease (PVS1). This variant is absent from gnomAD v4 (PM2_Supporting). Has been observed in at least 2 individuals with phenotypes consistent with CDKL5 disorder (PS4_Supporting). PMID:20397747 PMID:25657822 PMID:22670135

RettBASE
Classification: Pathogenic for Epileptic encephalopathy, early infantile, 2. Last evaluated: 2014-03-13. Review status: no assertion criteria provided. Collection method: curation. Allele origin: de novo. Affected: yes. Observed: 1 variant allele. Not counted in ClinVar's aggregate classification.

Literature cited by the submitters: PubMed 20397747 (cited by RettBASE).